The following is an entry in ClinVar:

NM_000372.5(TYR):c.373G>T (p.Asp125Tyr)

Gene: TYR (tyrosinase; plus strand). Cytogenetic location: 11q14.3.
Variant type: single nucleotide variant.
Coding change: c.373G>T on transcript NM_000372.5 (MANE Select); coding-DNA position 373, G replaced by T.
Protein change: p.Asp125Tyr; replaces aspartic acid 125 with tyrosine.
Molecular consequence: missense variant.
Genome position (GRCh38, 1-based): chr11:89,178,326, G>T. VCF-style: chr11-89178326-G-T. GRCh37 (hg19) VCF-style: chr11-88911494-G-T.
Other names: short protein forms D125Y.
Identifiers: ClinVar variation 4077124 (VCV004077124.1).

ClinVar aggregate classification (germline): Likely pathogenic (1 of 4 stars; one submission).

Conditions:
Oculocutaneous albinism type 1B (OCA1B). Also called: ALBINISM, OCULOCUTANEOUS, TYPE IB; ALBINISM, YELLOW MUTANT TYPE; YELLOW ALBINISM. Identifiers: Orphanet 352731, Orphanet 352737, Orphanet 79434, MedGen C1847024, MONDO:0011749, OMIM 606952.
Oculocutaneous albinism type 1A (OCA1A). Also called: Albinism, oculocutaneous, type IA. Identifiers: Orphanet 352731, Orphanet 79431, MedGen C4551504, MONDO:0008745, OMIM 203100. Disease mechanism: loss of function.

gnomAD v4.1: 35 of 1,614,050 alleles (0.0022%); highest among the groups gnomAD compares: East Asian, 0.076%; no homozygotes.

Submission:

Laboratory of Genetic Epidemiology, Research Centre for Medical Genetics
Classification: Likely pathogenic for Oculocutaneous albinism type 1A; Oculocutaneous albinism type 1B. Last evaluated: 2025-01-01. Review status: criteria provided, single submitter. Criteria: ACMG Guidelines, 2015. Collection method: clinical testing. Allele origin: paternal. Inheritance: Autosomal recessive inheritance. Affected: yes. Observed: 1 compound heterozygote.
Comment: This variant has not been previously reported in the literature, however described another missense variant in this position (NM_000372.5(TYR):c.373G>A (p.Asp125Asn)). The variant c.373G>T is listed in gnomAD v3.1.2 with allele frequency 0.00001 in Europe (1/68024). The functional analysis was performed for variant c.373G>T, p.(Asp125Tyr), which demonstated reduced tyrosinase and DOPA-oxidase activity compared to wild type (PMID: 27537549). Taken together, the variant meets the following ACMG/AMP criteria and can be classified as likely pathogenic with PM2, PP3, PS3, PP5, PP4 criteria.

Literature cited by the submitters: PubMed 27537549; PubMed 41428507.